The following is an entry in ClinVar:

ClinVar aggregate classification (germline): Uncertain significance (1 of 4 stars; one submission).

Conditions:
Alpha thalassemia-X-linked intellectual disability syndrome (ATRX). Also called: ALPHA-THALASSEMIA/MENTAL RETARDATION SYNDROME, X-LINKED; ATR, NONDELETION TYPE; ATR-X syndrome; Alpha thalassemia mental retardation syndrome, nondeletion type, X-linked; XLMR hypotonic face syndrome; X-linked alpha-thalassemia-mental retardation syndrome. Identifiers: Orphanet 847, MedGen C1845055, MONDO:0010519, OMIM 301040.

Submission:

Labcorp Genetics (formerly Invitae), Labcorp
Classification: Uncertain significance for Alpha thalassemia-X-linked intellectual disability syndrome. Last evaluated: 2025-07-07. Review status: criteria provided, single submitter. Criteria: Invitae Variant Classification Sherloc (09022015). Collection method: clinical testing. Allele origin: germline.
Comment: This sequence change replaces alanine, which is neutral and non-polar, with threonine, which is neutral and polar, at codon 2464 of the ATRX protein (p.Ala2464Thr). This variant is not present in population databases (gnomAD no frequency). This variant has not been reported in the literature in individuals affected with ATRX-related conditions. ClinVar contains an entry for this variant (Variation ID: 2764401). Invitae Evidence Modeling of protein sequence and biophysical properties (such as structural, functional, and spatial information, amino acid conservation, physicochemical variation, residue mobility, and thermodynamic stability) indicates that this missense variant is not expected to disrupt ATRX protein function with a negative predictive value of 95%. In summary, the available evidence is currently insufficient to determine the role of this variant in disease. Therefore, it has been classified as a Variant of Uncertain Significance.

NM_000489.6(ATRX):c.7390G>A (p.Ala2464Thr)

Gene: ATRX (ATRX chromatin remodeler; minus strand). Cytogenetic location: Xq21.1.
Variant type: single nucleotide variant.
Coding change: c.7390G>A on transcript NM_000489.6 (MANE Select); coding-DNA position 7390, G replaced by A.
Protein change: p.Ala2464Thr; replaces alanine 2464 with threonine.
Molecular consequence: missense variant.
Genome position (GRCh38, 1-based): chrX:77,508,440, C>T on the plus strand (G>A on the coding strand, the complement: ATRX is on the minus strand). VCF-style: chrX-77508440-C-T. GRCh37 (hg19) VCF-style: chrX-76763918-C-T.
Other names: c.7276G>A, p.Ala2426Thr (NM_138270.5); short protein forms A2426T, A2464T.
Identifiers: ClinVar variation 2764401 (VCV002764401.3), dbSNP rs2147647600, ClinGen allele CA413703972.
Genomic context (GRCh38, chrX:77,508,440, plus strand): 5'-GATTTTTGCTTCTCATTGGGGGTGGTGCACGCTGTAATGGTGGTGGCTGCATACCACCAG[C>T]CACTGGCTGATACATTCCTCTCATATCAATCTGCTGGTAGTTAGAAGGATTCATGATCAA-3'
Protein context (NP_000480.3, residues 2454-2474): IDMRGMYQPV[Ala2464Thr]GGMQPPPLQR